The following is an entry in ClinVar:

ClinVar aggregate classification (germline): Pathogenic/Likely pathogenic. Review status: criteria provided, multiple submitters, no conflicts (2 of 4 stars). 5 submissions from 5 submitters: Pathogenic (1); Likely pathogenic (4). Last evaluated 2024-03-14.

Conditions:
CDH23-related disorder. Also called: CDH23-related condition; CDH23-related disorders.
Pituitary adenoma 5, multiple types. Identifiers: MedGen C4539685, MONDO:0054601, OMIM 617540.
Autosomal recessive nonsyndromic hearing loss 12. Also called: DEAFNESS, AUTOSOMAL RECESSIVE 12. Identifiers: Orphanet 90636, MedGen C1832394, MONDO:0011067, OMIM 601386.
Usher syndrome type 1D (USH1D). Also called: USHER SYNDROME, TYPE ID. Identifiers: Orphanet 231169, Orphanet 886, MedGen C1832845, MONDO:0010984, OMIM 601067.

Allele frequency attached by ClinVar (database versions not stated): gnomAD exomes below 0.00001.
gnomAD v4.1: 1 of 1,350,042 alleles (0.000074%); highest among the groups gnomAD compares: Non-Finnish European, 0.000099%; no homozygotes.

Submissions (5):

Fulgent Genetics
Classification: Likely pathogenic for Usher syndrome type 1D; Autosomal recessive nonsyndromic hearing loss 12; Pituitary adenoma 5, multiple types. Last evaluated: 2024-03-14. Review status: criteria provided, single submitter. Criteria: ACMG Guidelines, 2015. Collection method: clinical testing. Allele origin: germline.

Baylor Genetics
Classification: Likely pathogenic for Pituitary adenoma 5, multiple types. Last evaluated: 2023-10-21. Review status: criteria provided, single submitter. Criteria: ACMG Guidelines, 2015. Collection method: clinical testing. Allele origin: unknown.

PreventionGenetics, part of Exact Sciences
Classification: Pathogenic for CDH23-related condition. Last evaluated: 2023-04-21. Review status: criteria provided, single submitter. Criteria: ACMG Guidelines, 2015. Collection method: clinical testing. Allele origin: germline.
Comment: The CDH23 c.9381-2A>G variant is predicted to disrupt the AG splice acceptor site and interfere with normal splicing. To our knowledge, this variant has not been reported in the literature or in a large population database, indicating this variant is rare. Variants that disrupt the consensus splice acceptor site in CDH23 are expected to be pathogenic. This variant is interpreted as pathogenic.

Labcorp Genetics (formerly Invitae), Labcorp
Classification: Likely pathogenic. Last evaluated: 2023-03-15. Review status: criteria provided, single submitter. Criteria: Invitae Variant Classification Sherloc (09022015). Collection method: clinical testing. Allele origin: germline.
Comment: This sequence change affects an acceptor splice site in intron 66 of the CDH23 gene. It is expected to disrupt RNA splicing. Variants that disrupt the donor or acceptor splice site typically lead to a loss of protein function (PMID: 16199547), and loss-of-function variants in CDH23 are known to be pathogenic (PMID: 11138009, 21940737). This variant is not present in population databases (gnomAD no frequency). This variant has not been reported in the literature in individuals affected with CDH23-related conditions. Algorithms developed to predict the effect of sequence changes on RNA splicing suggest that this variant may disrupt the consensus splice site. In summary, the currently available evidence indicates that the variant is pathogenic, but additional data are needed to prove that conclusively. Therefore, this variant has been classified as Likely Pathogenic.

Blueprint Genetics
Classification: Likely pathogenic for CDH23-related disorders. Last evaluated: 2022-02-08. Review status: criteria provided, single submitter. Criteria: ACMG Guidelines, 2015. Collection method: clinical testing. Allele origin: germline. Affected: yes. Observed: 1 variant allele.

Literature cited by the submitters: PubMed 16199547 (cited by Labcorp Genetics (formerly Invitae), Labcorp); PubMed 11138009 (cited by Labcorp Genetics (formerly Invitae), Labcorp); PubMed 21940737 (cited by Labcorp Genetics (formerly Invitae), Labcorp).

NM_022124.6(CDH23):c.9381-2A>G

Gene: CDH23 (cadherin related 23; plus strand). Cytogenetic location: 10q22.1.
Variant type: single nucleotide variant.
Coding change: c.9381-2A>G on transcript NM_022124.6 (MANE Select); the canonical splice acceptor site of the intron before coding-DNA position 9381, A replaced by G.
Molecular consequence: splice acceptor variant.
Genome position (GRCh38, 1-based): chr10:71,812,478, A>G. VCF-style: chr10-71812478-A-G. GRCh37 (hg19) VCF-style: chr10-73572235-A-G.
Other names: c.2661-2A>G (NM_001171933.1, NM_001171934.1); c.72-2A>G (NM_001171935.1, NM_001171936.1).
Identifiers: ClinVar variation 2632950 (VCV002632950.7), dbSNP rs1841971198, ClinGen allele CA377136235.
Genomic context (GRCh38, chr10:71,812,478, plus strand): 5'-GAAGGGCACCTGTCTACTCGAGCCTTCCCTCCCTCCCCACCCTTTTCCCTCCCCAACTGC[A>G]GAGCCAACCCTGTGTGGCTGGATCCCTTCTGTCGGAACCTGGAGCTGGCCGCCCAGGCGG-3'